The following is an entry in ClinVar:

ClinVar aggregate classification (germline): Likely pathogenic (1 of 4 stars; one submission).

Conditions:
LAMA2-related muscular dystrophy (LAMA2-RD). Also called: Laminin alpha 2-related dystrophy. Identifiers: MedGen C5679788, MONDO:0100228.

Submission:

Myriad Genetics, Inc.
Classification: Likely pathogenic for LAMA2-related muscular dystrophy. Last evaluated: 2022-01-11. Review status: criteria provided, single submitter. Criteria: Myriad Autosomal Dominant, Autosomal Recessive and X-Linked Classification Criteria (2023). Collection method: clinical testing. Allele origin: unknown.
Comment: NM_000426.3(LAMA2):c.5284dupC(R1762Pfs*5) is expected to be pathogenic in the context of muscular dystrophy, LAMA2-related. This variant is predicted to lead to an abnormal or absent protein product due to the creation of a premature termination codon in LAMA2, a gene where loss-of-function variants are known to be pathogenic. Please note: this variant was assessed in the context of healthy population screening.

NM_000426.4(LAMA2):c.5284dup (p.Arg1762fs)

Gene: LAMA2 (laminin subunit alpha 2; plus strand). Cytogenetic location: 6q22.33.
Variant type: Duplication.
Coding change: c.5284dup on transcript NM_000426.4 (MANE Select); coding-DNA position 5284, one base duplicated (C; older notation c.5284dupC).
Protein change: p.Arg1762fs; shifts the reading frame from arginine 1762.
Molecular consequence: frameshift variant.
Genome position (GRCh38, 1-based): chr6:129,393,094, C duplicated; the last of 3 consecutive C bases (chr6:129,393,092-129,393,094); duplicating any one gives the same sequence. VCF-style (leftmost placement, unchanged base first): chr6-129393091-T-TC. GRCh37 (hg19) VCF-style: chr6-129714236-T-TC.
Other names: c.5284dup, p.Arg1762fs (NM_001079823.2); short protein forms R1762fs.
Identifiers: ClinVar variation 1723926 (VCV001723926.3), dbSNP rs2482736672, ClinGen allele CA2580074958.